The following is an entry in ClinVar:

NM_000518.5(HBB):c.140G>A (p.Gly47Glu)

Genes: HBB (hemoglobin subunit beta; minus strand), LOC106099062 (HBB recombination region; plus strand), LOC107133510 (origin of replication at HBB; plus strand). Cytogenetic location: 11p15.4.
Variant type: single nucleotide variant.
Coding change: c.140G>A on transcript NM_000518.5 (MANE Select); coding-DNA position 140, G replaced by A.
Protein change: p.Gly47Glu; replaces glycine 47 with glutamic acid.
Molecular consequence: missense variant.
Genome position (GRCh38, 1-based): chr11:5,226,752, C>T on the plus strand (G>A on the coding strand, the complement: HBB is on the minus strand). VCF-style: chr11-5226752-C-T. GRCh37 (hg19) VCF-style: chr11-5247982-C-T.
Other names: G46E; short protein forms G47E.
Identifiers: ClinVar variation 15232 (VCV000015232.12), dbSNP rs35303218, ClinGen allele CA124971.

ClinVar aggregate classification (germline): Conflicting classifications of pathogenicity. Review status: criteria provided, conflicting classifications (1 of 4 stars). 4 submissions from 4 submitters: Uncertain significance (1); Likely benign (1). 2 of the submissions do not count toward it. Last evaluated 2026-02-17.

Conditions:
beta Thalassemia (BTHAL). Also called: Cooley's anemia; Erythroblastic anemia; Mediterranean anemia. Identifiers: Orphanet 848, MedGen C0005283, MONDO:0019402. Disease mechanism: loss of function.
HEMOGLOBIN K (IBADAN).

Allele frequency attached by ClinVar (database versions not stated): gnomAD exomes below 0.00001.

Submissions (4):

Women's Health and Genetics/Laboratory Corporation of America, LabCorp
Classification: Uncertain significance. Last evaluated: 2026-02-17. Review status: criteria provided, single submitter. Criteria: LabCorp Variant Classification Summary - May 2015. Collection method: clinical testing. Allele origin: germline.
Comment: Variant summary: HBB c.140G>A (p.Gly47Glu, legacy name p.Gly46Glu) results in a non-conservative amino acid change in the encoded protein sequence. Algorithms developed to predict the effect of missense changes on protein structure and function all suggest that this variant is likely to be disruptive. The variant was absent in 251414 control chromosomes. The available data on variant occurrences in the general population are insufficient to allow any conclusion about variant significance. c.140G>A has been observed in individual(s) with normal clinical presentation. These report(s) do not provide unequivocal conclusions about association of the variant with Hemoglobinopathy. To our knowledge, no experimental evidence demonstrating an impact on protein function has been reported. The following publications have been ascertained in the context of this evaluation (PMID: 1983219, 8226093). ClinVar contains an entry for this variant (Variation ID: 15232). Based on the evidence outlined above, the variant was classified as uncertain significance.

ARUP Laboratories, Molecular Genetics and Genomics, ARUP Laboratories
Classification: Likely benign. Last evaluated: 2024-05-13. Review status: criteria provided, single submitter. Criteria: ARUP Molecular Germline Variant Investigation Process 2024. Collection method: clinical testing. Allele origin: germline.
Comment: The Hb K-Ibadan variant (HBB: c.140G>A; p.Gly47Glu, also known as Gly46Glu when numbered from the mature protein, rs35303218) is a stable hemoglobin variant and has not been associated with any clinically significant symptoms in the heterozygous state (see link to HbVar, Landin 1993). This variant is reported in ClinVar (Variation ID: 15232), but is absent from general population databases (Exome Variant Server, Genome Aggregation Database), indicating it is not a common polymorphism. The glycine at codon 47 is highly conserved, and computational analyses predict that this variant is deleterious (REVEL: 0.932). Based on available information, this variant is considered to be likely benign. References: Link to HbVar for Hb K-Ibadan: Landin B and Jeppsson JO. Rare beta chain hemoglobin variants found in Swedish patients during HBA1c analysis. Hemoglobin. 1993 Aug;17(4):303-18.

Natera, Inc.
Classification: Uncertain significance for Beta thalassemia. Last evaluated: 2025-03-05. Review status: no assertion criteria provided. Collection method: clinical testing. Allele origin: germline. Not counted in ClinVar's aggregate classification.

OMIM
Classification: other for HEMOGLOBIN K (IBADAN). Last evaluated: 2017-12-12. Review status: no assertion criteria provided. Collection method: literature only. Allele origin: germline. Not counted in ClinVar's aggregate classification.

Literature cited by the submitters: PubMed 8226093 (cited by Women's Health and Genetics/Laboratory Corporation of America, LabCorp); PubMed 1983219 (cited by Women's Health and Genetics/Laboratory Corporation of America, LabCorp and OMIM); Allan, N., Beale, D., Irvine, D., Lehmann, H. Three haemoglobins K: Woolwich, an abnormal, Cameroon and Ibadan, two unusual variants of human haemoglobin A. Nature 208: 658-661, 1965. (cited by OMIM).